The following is an entry in ClinVar:

ClinVar aggregate classification (germline): Uncertain significance. Review status: criteria provided, multiple submitters, no conflicts (2 of 4 stars). 2 submissions from 2 submitters: Uncertain significance (2). Last evaluated 2025-06-16.

Conditions:
Inborn genetic diseases. Identifiers: MedGen C0950123, MeSH D030342.

Allele frequency attached by ClinVar (database versions not stated): gnomAD exomes below 0.00001; ExAC 0.00002; TOPMed 0.00002; gnomAD 0.00003.
gnomAD v4.1: 6 of 1,605,130 alleles (0.00037%); highest among the groups gnomAD compares: African/African-American, 0.008%; no homozygotes.

Submissions (2):

Labcorp Genetics (formerly Invitae), Labcorp
Classification: Uncertain significance. Last evaluated: 2025-06-16. Review status: criteria provided, single submitter. Criteria: Invitae Variant Classification Sherloc (09022015). Collection method: clinical testing. Allele origin: germline.
Comment: This sequence change replaces threonine, which is neutral and polar, with alanine, which is neutral and non-polar, at codon 202 of the CABP4 protein (p.Thr202Ala). This variant is present in population databases (rs764599417, gnomAD 0.03%). This variant has not been reported in the literature in individuals affected with CABP4-related conditions. ClinVar contains an entry for this variant (Variation ID: 2162407). Invitae Evidence Modeling of protein sequence and biophysical properties (such as structural, functional, and spatial information, amino acid conservation, physicochemical variation, residue mobility, and thermodynamic stability) indicates that this missense variant is expected to disrupt CABP4 protein function with a positive predictive value of 80%. In summary, the available evidence is currently insufficient to determine the role of this variant in disease. Therefore, it has been classified as a Variant of Uncertain Significance.

Ambry Genetics
Classification: Uncertain significance for Inborn genetic diseases. Last evaluated: 2024-11-26. Review status: criteria provided, single submitter. Criteria: Ambry Variant Classification Scheme 2023. Collection method: clinical testing. Allele origin: germline.

NM_145200.5(CABP4):c.604A>G (p.Thr202Ala)

Gene: CABP4 (calcium binding protein 4; plus strand). Cytogenetic location: 11q13.2.
Variant type: single nucleotide variant.
Coding change: c.604A>G on transcript NM_145200.5 (MANE Select); coding-DNA position 604, A replaced by G.
Protein change: p.Thr202Ala; replaces threonine 202 with alanine.
Molecular consequence: missense variant. On other transcripts: non-coding transcript variant (1).
Genome position (GRCh38, 1-based): chr11:67,457,635, A>G. VCF-style: chr11-67457635-A-G. GRCh37 (hg19) VCF-style: chr11-67225106-A-G.
Other names: c.289A>G, p.Thr97Ala (NM_001300895.3, NM_001300896.3, NM_001379183.1); c.604A>G (NM_145200.3); short protein forms T202A, T97A.
Identifiers: ClinVar variation 2162407 (VCV002162407.5), dbSNP rs764599417, ClinGen allele CA6140287.
Genomic context (GRCh38, chr11:67,457,635, plus strand): 5'-GGCGGCCGTGTGGACTTTGAGGAGTTTGTAGAACTGATAGGCCCAAAGCTGAGGGAGGAG[A>G]CGGCGCACATGCTGGGGGTGCGAGAGCTGCGCATCGCCTTCCGAGAGGTGCGGAGTGTGG-3'
Protein context (NP_660201.1, residues 192-212): ELIGPKLREE[Thr202Ala]AHMLGVRELR